The following is an entry in ClinVar:

NM_007294.4(BRCA1):c.145C>G (p.Leu49Val)

Gene: BRCA1 (BRCA1 DNA repair associated; minus strand). Cytogenetic location: 17q21.31.
Variant type: single nucleotide variant.
Coding change: c.145C>G on transcript NM_007294.4 (MANE Select); coding-DNA position 145, C replaced by G.
Protein change: p.Leu49Val; replaces leucine 49 with valine.
Molecular consequence: missense variant. On other transcripts: non-coding transcript variant (1).
Genome position (GRCh38, 1-based): chr17:43,106,523, G>C on the plus strand (C>G on the coding strand, the complement: BRCA1 is on the minus strand). VCF-style: chr17-43106523-G-C. GRCh37 (hg19) VCF-style: chr17-41258540-G-C.
Other names: c.-44C>G (NM_001407571.1, NM_001407853.1, NM_001407879.1 and 58 more transcripts); c.145C>G, p.Leu49Val (NM_001407581.1, NM_001407582.1, NM_001407583.1 and 168 more transcripts); c.4C>G, p.Leu2Val (NM_001407692.1, NM_001407694.1, NM_001407695.1 and 99 more transcripts); short protein forms L2V, L49V.
Identifiers: ClinVar variation 867274 (VCV000867274.3), dbSNP rs2054792700, ClinGen allele CA10601864.

Conditions:
Breast-ovarian cancer, familial, susceptibility to, 1 (BROVCA1). Also called: BRCA1 Hereditary Breast and Ovarian Cancer; OVARIAN CANCER, SUSCEPTIBILITY TO. Identifiers: Orphanet 145, MedGen C2676676, MONDO:0011450, OMIM 604370. Disease mechanism: loss of function.

Submission:

Brotman Baty Institute, University of Washington
No classification provided (evidence only). Condition: Breast-ovarian cancer, familial 1. Review status: no classification provided. Collection method: in vitro. Allele origin: not applicable. Functional consequence: function_uncertain_variant.
ClinVar note: "not provided" was previously submitted as the classification for the variant. However, the classification appeared to be based only on an observation of functional data so it was converted to no classification on 2025-07-30.